The following is an entry in ClinVar:

NM_001844.5(COL2A1):c.4275C>T (p.Gly1425=)

Gene: COL2A1 (collagen type II alpha 1 chain; minus strand). Cytogenetic location: 12q13.11.
Variant type: single nucleotide variant.
Coding change: c.4275C>T on transcript NM_001844.5 (MANE Select); coding-DNA position 4275, C replaced by T.
Protein change: p.Gly1425=; no amino-acid change (glycine 1425 retained).
Molecular consequence: synonymous variant.
Genome position (GRCh38, 1-based): chr12:47,974,131, G>A on the plus strand (C>T on the coding strand, the complement: COL2A1 is on the minus strand). VCF-style: chr12-47974131-G-A. GRCh37 (hg19) VCF-style: chr12-48367914-G-A.
Other names: c.4068C>T, p.Gly1356= (NM_033150.3).
Identifiers: ClinVar variation 1203769 (VCV001203769.15), dbSNP rs41272767, ClinGen allele CA6534509.

ClinVar aggregate classification (germline): Conflicting classifications of pathogenicity. Review status: criteria provided, conflicting classifications (1 of 4 stars). 4 submissions from 4 submitters: Uncertain significance (1); Benign (1); Likely benign (2). Last evaluated 2025-10-06.

Conditions:
COL2A1-related disorder. Also called: COL2A1-related condition; COL2A1-related disorders.

Allele frequency attached by ClinVar (database versions not stated): gnomAD exomes 0.00001 and 0.00003; ExAC 0.00003; gnomAD 0.00011 and 0.00012; TOPMed 0.00019; ESP Exome Variant Server 0.00023.
gnomAD v4.1: 30 of 1,614,068 alleles (0.0019%); highest among the groups gnomAD compares: African/African-American, 0.039%; no homozygotes.

Submissions (4):

Labcorp Genetics (formerly Invitae), Labcorp
Classification: Benign. Last evaluated: 2025-10-06. Review status: criteria provided, single submitter. Criteria: Invitae Variant Classification Sherloc (09022015). Collection method: clinical testing. Allele origin: germline.

PreventionGenetics, part of Exact Sciences
Classification: Likely benign for COL2A1-related condition. Last evaluated: 2025-09-04. Review status: criteria provided, single submitter. Criteria: ACMG Guidelines, 2015. Collection method: clinical testing. Allele origin: germline.
Comment: This variant is classified as likely benign based on ACMG/AMP sequence variant interpretation guidelines (Richards et al. 2015 PMID: 25741868, with internal and published modifications).

GeneDx
Classification: Uncertain significance. Last evaluated: 2025-07-01. Review status: criteria provided, single submitter. Criteria: GeneDx Variant Classification Process June 2021. Collection method: clinical testing. Allele origin: germline. Affected: yes.
Comment: Has not been previously published as pathogenic or benign to our knowledge; In silico analysis suggests this variant may impact gene splicing. In the absence of RNA/functional studies, the actual effect of this sequence change is unknown.

Blueprint Genetics
Classification: Likely benign. Last evaluated: 2023-06-26. Review status: criteria provided, single submitter. Criteria: ACMG Guidelines, 2015. Collection method: clinical testing. Allele origin: germline.